The following is an entry in ClinVar:

NM_000170.3(GLDC):c.89G>A (p.Trp30Ter)

Gene: GLDC (glycine decarboxylase; minus strand). Cytogenetic location: 9p24.1.
Variant type: single nucleotide variant.
Coding change: c.89G>A on transcript NM_000170.3 (MANE Select); coding-DNA position 89, G replaced by A.
Protein change: p.Trp30Ter; replaces tryptophan 30 with a stop codon.
Molecular consequence: nonsense.
Genome position (GRCh38, 1-based): chr9:6,645,411, C>T on the plus strand (G>A on the coding strand, the complement: GLDC is on the minus strand). VCF-style: chr9-6645411-C-T. GRCh37 (hg19) VCF-style: chr9-6645411-C-T.
Other names: short protein forms W30*.
Identifiers: ClinVar variation 857611 (VCV000857611.8), dbSNP rs1819724531, ClinGen allele CA372887215.
Genomic context (GRCh38, chr9:6,645,411, plus strand): 5'-GAGGCCCCAGCCGCGGCGCTGTCCCCGCCGCCACTGCTGCTGTCCCGGCTCCGCGGCGCC[C>T]AGCACGGCCCCGATCCCCCAGCCAGGCGGCGGCCGCCCCCGACCCCGCGGCCCAGGCGCA-3'

ClinVar aggregate classification (germline): Pathogenic (1 of 4 stars; one submission).

Conditions:
Glycine encephalopathy. Also called: Nonketotic hyperglycinemia; Non-ketotic hyperglycinemia. Identifiers: Orphanet 407, MedGen C0751748, MONDO:0011612, HP:0008288.

Submission:

Labcorp Genetics (formerly Invitae), Labcorp
Classification: Pathogenic for Glycine encephalopathy. Last evaluated: 2022-05-12. Review status: criteria provided, single submitter. Criteria: Invitae Variant Classification Sherloc (09022015). Collection method: clinical testing. Allele origin: germline.
Comment: For these reasons, this variant has been classified as Pathogenic. ClinVar contains an entry for this variant (Variation ID: 857611). This variant has not been reported in the literature in individuals affected with GLDC-related conditions. This variant is not present in population databases (gnomAD no frequency). This sequence change creates a premature translational stop signal (p.Trp30*) in the GLDC gene. It is expected to result in an absent or disrupted protein product. Loss-of-function variants in GLDC are known to be pathogenic (PMID: 16601880).

Literature cited by the submitters: PubMed 16601880.